The following is an entry in ClinVar:

NM_000552.5(VWF):c.4585G>A (p.Asp1529Asn)

Gene: VWF (von Willebrand factor; minus strand). Cytogenetic location: 12p13.31.
Variant type: single nucleotide variant.
Coding change: c.4585G>A on transcript NM_000552.5 (MANE Select); coding-DNA position 4585, G replaced by A.
Protein change: p.Asp1529Asn; replaces aspartic acid 1529 with asparagine.
Molecular consequence: missense variant.
Genome position (GRCh38, 1-based): chr12:6,018,833, C>T on the plus strand (G>A on the coding strand, the complement: VWF is on the minus strand). VCF-style: chr12-6018833-C-T. GRCh37 (hg19) VCF-style: chr12-6127999-C-T.
Other names: short protein forms D1529N.
Identifiers: ClinVar variation 2682114 (VCV002682114.1), dbSNP rs138670575, ClinGen allele CA6402502.

ClinVar aggregate classification (germline): Uncertain significance (1 of 4 stars; one submission).

Submission:

Quest Diagnostics Nichols Institute San Juan Capistrano
Classification: Uncertain significance. Last evaluated: 2023-05-03. Review status: criteria provided, single submitter. Criteria: Quest Diagnostics criteria. Collection method: clinical testing. Allele origin: unknown.
Comment: This variant has not been reported in the published literature. The frequency of this variant in the general population, 0.00041 (14/34544 chromosomes), is uninformative in assessment of its pathogenicity. Analysis of this variant using bioinformatics tools for the prediction of the effect of amino acid changes on protein structure and function yielded conflicting predictions that this variant is benign or damaging. Based on the available information, we are unable to determine the clinical significance of this variant.